The following is an entry in ClinVar:

NM_004260.4(RECQL4):c.593T>G (p.Val198Gly)

Gene: RECQL4 (RecQ like helicase 4; minus strand). Cytogenetic location: 8q24.3.
Variant type: single nucleotide variant.
Coding change: c.593T>G on transcript NM_004260.4 (MANE Select); coding-DNA position 593, T replaced by G.
Protein change: p.Val198Gly; replaces valine 198 with glycine.
Molecular consequence: missense variant. On other transcripts: 5 prime UTR variant (15), non-coding transcript variant (3), intron variant (3).
Genome position (GRCh38, 1-based): chr8:144,516,526, A>C on the plus strand (T>G on the coding strand, the complement: RECQL4 is on the minus strand). VCF-style: chr8-144516526-A-C. GRCh37 (hg19) VCF-style: chr8-145741910-A-C.
Other names: c.593T>G, p.Val198Gly (NM_001413017.1, NM_001413018.1, NM_001413019.1 and 4 more transcripts); c.-479T>G (NM_001413022.1, NM_001413023.1, NM_001413024.1 and 5 more transcripts); c.464T>G, p.Val155Gly (NM_001413025.1); c.-541T>G (NM_001413027.1, NM_001413030.1, NM_001413031.1 and 2 more transcripts); c.-383T>G (NM_001413034.1); c.-748T>G (NM_001413043.1); c.355-113T>G (NM_001413029.1); c.-366-113T>G (NM_001413021.1, NM_001413028.1); short protein forms V155G, V198G.
Identifiers: ClinVar variation 3944234 (VCV003944234.1).

ClinVar aggregate classification (germline): Uncertain significance (1 of 4 stars; one submission).

Conditions:
Inborn genetic diseases. Identifiers: MedGen C0950123, MeSH D030342.

Submission:

Ambry Genetics
Classification: Uncertain significance for Inborn genetic diseases. Last evaluated: 2025-03-15. Review status: criteria provided, single submitter. Criteria: Ambry Variant Classification Scheme 2023. Collection method: clinical testing. Allele origin: germline.
Comment: The p.V198G variant (also known as c.593T>G), located in coding exon 5 of the RECQL4 gene, results from a T to G substitution at nucleotide position 593. The valine at codon 198 is replaced by glycine, an amino acid with dissimilar properties. This amino acid position is conserved. In addition, this alteration is predicted to be tolerated by in silico analysis. Based on the available evidence, the clinical significance of this variant remains unclear.